The following is an entry in ClinVar:

ClinVar aggregate classification (germline): Conflicting classifications of pathogenicity. Review status: criteria provided, conflicting classifications (1 of 4 stars). 2 submissions from 2 submitters: Uncertain significance (1); Likely benign (1). Last evaluated 2023-06-13.

Conditions:
Cardiovascular phenotype. Identifiers: MedGen CN230736.

Allele frequency attached by ClinVar (database versions not stated): gnomAD 0.00001; TOPMed 0.00001; ExAC 0.00003; gnomAD exomes 0.00003.
gnomAD v4.1: 40 of 1,548,670 alleles (0.0026%); highest among the groups gnomAD compares: Non-Finnish European, 0.0035%; no homozygotes.

Submissions (2):

Blueprint Genetics
Classification: Likely benign. Last evaluated: 2023-06-13. Review status: criteria provided, single submitter. Criteria: ACMG Guidelines, 2015. Collection method: clinical testing. Allele origin: germline.

Ambry Genetics
Classification: Uncertain significance for Cardiovascular phenotype. Last evaluated: 2022-11-18. Review status: criteria provided, single submitter. Criteria: Ambry Variant Classification Scheme 2023. Collection method: clinical testing. Allele origin: germline.
Comment: The c.1867+5G>A intronic variant results from a G to A substitution 5 nucleotides after coding exon 12 in the SCN10A gene. This nucleotide position is highly conserved in available vertebrate species. In silico splice site analysis predicts that this alteration will weaken the native splice donor site. The evidence for this gene-disease relationship is limited; therefore, the clinical significance of this alteration is unclear.

NM_006514.4(SCN10A):c.1867+5G>A

Gene: SCN10A (sodium voltage-gated channel alpha subunit 10; minus strand). Cytogenetic location: 3p22.2.
Variant type: single nucleotide variant.
Coding change: c.1867+5G>A on transcript NM_006514.4 (MANE Select); 5 bases into the intron after coding-DNA position 1867, G replaced by A.
Molecular consequence: intron variant.
Genome position (GRCh38, 1-based): chr3:38,750,068, C>T on the plus strand (G>A on the coding strand, the complement: SCN10A is on the minus strand). VCF-style: chr3-38750068-C-T. GRCh37 (hg19) VCF-style: chr3-38791559-C-T.
Other names: c.1573+5G>A (NM_001293307.2); c.1867+5G>A (NM_001293306.2).
Identifiers: ClinVar variation 2497141 (VCV002497141.3), dbSNP rs749713677, ClinGen allele CA2320727.